The following is an entry in ClinVar:

ClinVar aggregate classification (germline): Uncertain significance. Review status: criteria provided, multiple submitters, no conflicts (2 of 4 stars). 6 submissions from 4 submitters: Uncertain significance (6). Last evaluated 2025-09-26.

Conditions:
Inborn genetic diseases. Identifiers: MedGen C0950123, MeSH D030342.
Charcot-Marie-Tooth disease axonal type 2X. Also called: CHARCOT-MARIE-TOOTH DISEASE, AXONAL, AUTOSOMAL RECESSIVE, TYPE 2X; CHARCOT-MARIE-TOOTH NEUROPATHY, TYPE 2X. Identifiers: Orphanet 466775, MedGen C5569024, MONDO:0014726, OMIM 616668.
Amyotrophic lateral sclerosis type 5 (ALS5). Also called: AMYOTROPHIC LATERAL SCLEROSIS 5, JUVENILE. Identifiers: Orphanet 300605, MedGen C1865864, MONDO:0011196, OMIM 602099.
Hereditary spastic paraplegia 11. Also called: Nakamura Osame syndrome; Autosomal recessive hereditary spastic paraplegia, mental impairment, and thin corpus callosum; SPASTIC PARAPLEGIA, AUTOSOMAL RECESSIVE, COMPLICATED, WITH THIN CORPUS CALLOSUM; SPASTIC PARAPLEGIA, AUTOSOMAL RECESSIVE, WITH MENTAL IMPAIRMENT AND THIN CORPUS CALLOSUM; Spastic paraplegia, mental retardation and thin corpus callosum; Spastic Paraplegia 11. Identifiers: Orphanet 2822, MedGen C1858479, MONDO:0011445, OMIM 604360.

Allele frequency attached by ClinVar (database versions not stated): gnomAD below 0.00001 and 0.00001; TOPMed below 0.00001; gnomAD exomes 0.00001 and 0.00002; ExAC 0.00002.
gnomAD v4.1: 22 of 1,614,186 alleles (0.0014%); highest among the groups gnomAD compares: South Asian, 0.019%; no homozygotes.

Submissions (6):

Ambry Genetics
Classification: Uncertain significance for Inborn genetic diseases. Last evaluated: 2025-09-26. Review status: criteria provided, single submitter. Criteria: Ambry Variant Classification Scheme 2023. Collection method: clinical testing. Allele origin: germline.

Labcorp Genetics (formerly Invitae), Labcorp
Classification: Uncertain significance for Hereditary spastic paraplegia 11. Last evaluated: 2022-03-28. Review status: criteria provided, single submitter. Criteria: Invitae Variant Classification Sherloc (09022015). Collection method: clinical testing. Allele origin: germline.
Comment: This sequence change replaces isoleucine, which is neutral and non-polar, with valine, which is neutral and non-polar, at codon 2350 of the SPG11 protein (p.Ile2350Val). This variant is present in population databases (rs780550991, gnomAD 0.01%). This variant has not been reported in the literature in individuals affected with SPG11-related conditions. ClinVar contains an entry for this variant (Variation ID: 579283). Algorithms developed to predict the effect of missense changes on protein structure and function output the following: SIFT: "Tolerated"; PolyPhen-2: "Benign"; Align-GVGD: "Class C0". The valine amino acid residue is found in multiple mammalian species, which suggests that this missense change does not adversely affect protein function. In summary, the available evidence is currently insufficient to determine the role of this variant in disease. Therefore, it has been classified as a Variant of Uncertain Significance.

GeneDx
Classification: Uncertain significance. Last evaluated: 2022-01-12. Review status: criteria provided, single submitter. Criteria: GeneDx Variant Classification Process June 2021. Collection method: clinical testing. Allele origin: germline. Affected: yes.
Comment: Not observed at significant frequency in large population cohorts (gnomAD); In silico analysis supports that this missense variant does not alter protein structure/function; Has not been previously published as pathogenic or benign to our knowledge

Genome-Nilou Lab
Classification: Uncertain significance for Amyotrophic lateral sclerosis type 5. Review status: criteria provided, single submitter. Criteria: ACMG Guidelines, 2015. Collection method: clinical testing. Allele origin: germline.

Genome-Nilou Lab
Classification: Uncertain significance for Charcot-Marie-Tooth disease axonal type 2X. Review status: criteria provided, single submitter. Criteria: ACMG Guidelines, 2015. Collection method: clinical testing. Allele origin: germline.

Genome-Nilou Lab
Classification: Uncertain significance for Hereditary spastic paraplegia 11. Review status: criteria provided, single submitter. Criteria: ACMG Guidelines, 2015. Collection method: clinical testing. Allele origin: germline.

NM_025137.4(SPG11):c.7048A>G (p.Ile2350Val)

Gene: SPG11 (SPG11 vesicle trafficking associated, spatacsin; minus strand). Cytogenetic location: 15q21.1.
Variant type: single nucleotide variant.
Coding change: c.7048A>G on transcript NM_025137.4 (MANE Select); coding-DNA position 7048, A replaced by G.
Protein change: p.Ile2350Val; replaces isoleucine 2350 with valine.
Molecular consequence: missense variant.
Genome position (GRCh38, 1-based): chr15:44,564,650, T>C on the plus strand (A>G on the coding strand, the complement: SPG11 is on the minus strand). VCF-style: chr15-44564650-T-C. GRCh37 (hg19) VCF-style: chr15-44856848-T-C.
Other names: c.6709A>G, p.Ile2237Val (NM_001160227.2); short protein forms I2350V, I2237V.
Identifiers: ClinVar variation 579283 (VCV000579283.12), dbSNP rs780550991, ClinGen allele CA7533911.